The following is an entry in ClinVar:

ClinVar aggregate classification (germline): Uncertain significance (1 of 4 stars; one submission).

Conditions:
PLXNA4-related disorder. Also called: PLXNA4-related condition.

Submission:

PreventionGenetics, part of Exact Sciences
Classification: Uncertain significance for PLXNA4-related condition. Last evaluated: 2026-08-26. Review status: criteria provided, single submitter. Criteria: ACMG Guidelines, 2015. Collection method: clinical testing. Allele origin: germline.
Comment: The PLXNA4 c.4415G>T variant is predicted to result in the amino acid substitution p.Gly1472Val. To our knowledge, this variant has not been reported in the literature or in a large population database (gnomAD), indicating this variant is rare. At this time, the clinical significance of this variant is uncertain due to the absence of conclusive functional and genetic evidence.

NM_020911.2(PLXNA4):c.4415G>T (p.Gly1472Val)

Gene: PLXNA4 (plexin A4; minus strand). Cytogenetic location: 7q32.3.
Variant type: single nucleotide variant.
Coding change: c.4415G>T on transcript NM_020911.2 (MANE Select); coding-DNA position 4415, G replaced by T.
Protein change: p.Gly1472Val; replaces glycine 1472 with valine.
Molecular consequence: missense variant.
Genome position (GRCh38, 1-based): chr7:132,164,227, C>A on the plus strand (G>T on the coding strand, the complement: PLXNA4 is on the minus strand). VCF-style: chr7-132164227-C-A. GRCh37 (hg19) VCF-style: chr7-131848986-C-A.
Other names: c.4415G>T, p.Gly1472Val (NM_001393897.1); short protein forms G1472V.
Identifiers: ClinVar variation 4993580 (VCV004993580.1).